The following is an entry in ClinVar:

NM_001130009.3(GEN1):c.1312A>G (p.Thr438Ala)

Gene: GEN1 (GEN1 structure-specific endonuclease; plus strand). Cytogenetic location: 2p24.2.
Variant type: single nucleotide variant.
Coding change: c.1312A>G on transcript NM_001130009.3 (MANE Select); coding-DNA position 1312, A replaced by G.
Protein change: p.Thr438Ala; replaces threonine 438 with alanine.
Molecular consequence: missense variant.
Genome position (GRCh38, 1-based): chr2:17,780,025, A>G. VCF-style: chr2-17780025-A-G. GRCh37 (hg19) VCF-style: chr2-17961292-A-G.
Other names: c.1312A>G, p.Thr438Ala (NM_182625.5); c.1312A>G (NM_001130009.1); short protein forms T438A.
Identifiers: ClinVar variation 862317 (VCV000862317.10), dbSNP rs1672750557, ClinGen allele CA345923731.

ClinVar aggregate classification (germline): Uncertain significance. Review status: criteria provided, multiple submitters, no conflicts (2 of 4 stars). 2 submissions from 2 submitters: Uncertain significance (2). Last evaluated 2026-05-23.

Allele frequency attached by ClinVar (database versions not stated): TOPMed below 0.00001; gnomAD exomes below 0.00001.
gnomAD v4.1: 1 of 1,603,592 alleles (0.000062%); highest among the groups gnomAD compares: Non-Finnish European, 0.000085%; no homozygotes.

Submissions (2):

Ambry Genetics
Classification: Uncertain significance. Last evaluated: 2026-05-23. Review status: criteria provided, single submitter. Criteria: Ambry Variant Classification Scheme 2023. Collection method: clinical testing. Allele origin: germline.
Comment: The p.T438A variant (also known as c.1312A>G), located in coding exon 12 of the GEN1 gene, results from an A to G substitution at nucleotide position 1312. The threonine at codon 438 is replaced by alanine, an amino acid with similar properties. This amino acid position is conserved. In addition, this alteration is predicted to be tolerated by in silico analysis. Based on the available evidence, the clinical significance of this variant remains unclear.

Labcorp Genetics (formerly Invitae), Labcorp
Classification: Uncertain significance. Last evaluated: 2019-12-03. Review status: criteria provided, single submitter. Criteria: Invitae Variant Classification Sherloc (09022015). Collection method: clinical testing. Allele origin: germline.
Comment: In summary, the available evidence is currently insufficient to determine the role of this variant in disease. Therefore, it has been classified as a Variant of Uncertain Significance. Algorithms developed to predict the effect of sequence changes on RNA splicing suggest that this variant may create or strengthen a splice site, but this prediction has not been confirmed by published transcriptional studies. Algorithms developed to predict the effect of missense changes on protein structure and function are either unavailable or do not agree on the potential impact of this missense change (SIFT: "Deleterious"; PolyPhen-2: "Probably Damaging"; Align-GVGD: "Class C0"). This variant has not been reported in the literature in individuals with GEN1-related conditions. This variant is not present in population databases (ExAC no frequency). This sequence change replaces threonine with alanine at codon 438 of the GEN1 protein (p.Thr438Ala). The threonine residue is highly conserved and there is a small physicochemical difference between threonine and alanine.